The following is an entry in ClinVar:

ClinVar aggregate classification (germline): Uncertain significance (0 of 4 stars; one submission).

Conditions:
SHOC2-related disorder. Also called: SHOC2-related condition.

Submission:

PreventionGenetics, part of Exact Sciences
Classification: Uncertain significance for SHOC2-related condition. Last evaluated: 2024-08-31. Review status: no assertion criteria provided. Collection method: clinical testing. Allele origin: germline.
Comment: The SHOC2 c.365T>C variant is predicted to result in the amino acid substitution p.Leu122Ser. This variant has been reported in an individual with unexplained infant death and atrial septal defect (Yang et al. 2024. PubMed ID: 38566140). This variant is reported in 0.015% of alleles in individuals of East Asian descent in gnomAD. At this time, the clinical significance of this variant is uncertain due to the absence of conclusive functional and genetic evidence.

NM_007373.4(SHOC2):c.365T>C (p.Leu122Ser)

Gene: SHOC2 (SHOC2 leucine rich repeat scaffold protein; plus strand). Cytogenetic location: 10q25.2.
Variant type: single nucleotide variant.
Coding change: c.365T>C on transcript NM_007373.4 (MANE Select); coding-DNA position 365, T replaced by C.
Protein change: p.Leu122Ser; replaces leucine 122 with serine.
Molecular consequence: missense variant.
Genome position (GRCh38, 1-based): chr10:110,964,723, T>C. VCF-style: chr10-110964723-T-C. GRCh37 (hg19) VCF-style: chr10-112724481-T-C.
Other names: c.365T>C, p.Leu122Ser (NM_001269039.3, NM_001324336.2, NM_001324337.2); short protein forms L122S.
Identifiers: ClinVar variation 3346455 (VCV003346455.1).
Genomic context (GRCh38, chr10:110,964,723, plus strand): 5'-CAATGCGTTTGGACTTATCCAAGAGATCTATACACATATTGCCATCATCAATCAAAGAGT[T>C]GACTCAATTAACAGAACTTTATTTATACAGTAACAAATTGCAGTCCCTCCCAGCAGAGGT-3'
Protein context (NP_031399.2, residues 112-132): IHILPSSIKE[Leu122Ser]TQLTELYLYS